The following is an entry in ClinVar:

NM_032043.3(BRIP1):c.2028G>C (p.Val676=)

Gene: BRIP1 (BRCA1 interacting DNA helicase 1; minus strand). Cytogenetic location: 17q23.2.
Variant type: single nucleotide variant.
Coding change: c.2028G>C on transcript NM_032043.3 (MANE Select); coding-DNA position 2028, G replaced by C.
Protein change: p.Val676=; no amino-acid change (valine 676 retained).
Molecular consequence: synonymous variant.
Genome position (GRCh38, 1-based): chr17:61,776,470, C>G on the plus strand (G>C on the coding strand, the complement: BRIP1 is on the minus strand). VCF-style: chr17-61776470-C-G. GRCh37 (hg19) VCF-style: chr17-59853831-C-G.
Identifiers: ClinVar variation 185710 (VCV000185710.15), dbSNP rs786202395, ClinGen allele CA192695.

ClinVar aggregate classification (germline): Benign/Likely benign. Review status: criteria provided, multiple submitters, no conflicts (2 of 4 stars). 3 submissions from 3 submitters: Benign (1); Likely benign (2). Last evaluated 2024-09-03.

Conditions:
Familial cancer of breast. Also called: BREAST CANCER, FAMILIAL; Hereditary breast cancer; hereditary breast carcinoma. Identifiers: Orphanet 227535, MedGen C0346153, MONDO:0016419, OMIM 114480. Disease mechanism: loss of function.
Fanconi anemia complementation group J. Also called: BRIP1-Related Fanconi Anemia. Identifiers: Orphanet 84, MedGen C1836860, MONDO:0012187, OMIM 609054.
Hereditary cancer-predisposing syndrome. Also called: Hereditary Cancer Syndrome; Neoplastic Syndromes, Hereditary; Tumor predisposition; Hereditary neoplastic syndrome. Identifiers: Orphanet 140162, MedGen C0027672, MeSH D009386, MONDO:0015356.

Submissions (3):

Myriad Genetics, Inc.
Classification: Benign for Familial cancer of breast. Last evaluated: 2024-09-03. Review status: criteria provided, single submitter. Criteria: Myriad Autosomal Dominant, Autosomal Recessive and X-Linked Classification Criteria (2023). Collection method: clinical testing. Allele origin: unknown.
Comment: This variant is considered benign. This variant is a silent/synonymous amino acid change and it is not expected to impact splicing.

Labcorp Genetics (formerly Invitae), Labcorp
Classification: Likely benign for Familial cancer of breast; Fanconi anemia complementation group J. Last evaluated: 2024-07-30. Review status: criteria provided, single submitter. Criteria: Invitae Variant Classification Sherloc (09022015). Collection method: clinical testing. Allele origin: germline.

Ambry Genetics
Classification: Likely benign for Hereditary cancer-predisposing syndrome. Last evaluated: 2014-07-29. Review status: criteria provided, single submitter. Criteria: Ambry Variant Classification Scheme 2023. Collection method: clinical testing. Allele origin: germline.